The following is an entry in ClinVar:

NM_005188.4(CBL):c.1994A>C (p.Lys665Thr)

Gene: CBL (Cbl proto-oncogene; plus strand). Cytogenetic location: 11q23.3.
Variant type: single nucleotide variant.
Coding change: c.1994A>C on transcript NM_005188.4 (MANE Select); coding-DNA position 1994, A replaced by C.
Protein change: p.Lys665Thr; replaces lysine 665 with threonine.
Molecular consequence: missense variant.
Genome position (GRCh38, 1-based): chr11:119,287,904, A>C. VCF-style: chr11-119287904-A-C. GRCh37 (hg19) VCF-style: chr11-119158614-A-C.
Other names: short protein forms K665T.
Identifiers: ClinVar variation 4868224 (VCV004868224.1).

ClinVar aggregate classification (germline): Uncertain significance (1 of 4 stars; one submission).

Conditions:
Cardiovascular phenotype. Identifiers: MedGen CN230736.

Submission:

Ambry Genetics
Classification: Uncertain significance for Cardiovascular phenotype. Last evaluated: 2026-04-12. Review status: criteria provided, single submitter. Criteria: Ambry Variant Classification Scheme 2023. Collection method: clinical testing. Allele origin: germline.
Comment: The p.K665T variant (also known as c.1994A>C), located in coding exon 12 of the CBL gene, results from an A to C substitution at nucleotide position 1994. The lysine at codon 665 is replaced by threonine, an amino acid with similar properties. This amino acid position is conserved. In addition, the in silico prediction for this alteration is inconclusive. Based on the available evidence, the clinical significance of this variant remains unclear.